The following is an entry in ClinVar:

NM_000329.3(RPE65):c.1417G>A (p.Val473Ile)

Gene: RPE65 (retinoid isomerohydrolase RPE65; minus strand). Cytogenetic location: 1p31.3.
Variant type: single nucleotide variant.
Coding change: c.1417G>A on transcript NM_000329.3 (MANE Select); coding-DNA position 1417, G replaced by A.
Protein change: p.Val473Ile; replaces valine 473 with isoleucine.
Molecular consequence: missense variant.
Genome position (GRCh38, 1-based): chr1:68,431,098, C>T on the plus strand (G>A on the coding strand, the complement: RPE65 is on the minus strand). VCF-style: chr1-68431098-C-T. GRCh37 (hg19) VCF-style: chr1-68896781-C-T.
Other names: c.1309G>A, p.Val437Ile (NM_001406853.1); c.1141G>A, p.Val381Ile (NM_001406856.1, NM_001406857.1); short protein forms V473I, V381I, V437I.
Identifiers: ClinVar variation 4629417 (VCV004629417.2).
Genomic context (GRCh38, chr1:68,431,098, plus strand): 5'-TTCAGACACAACAATTGCTTTCATTACCATCATCTTCTTCCAAGGCATCTGGGTGAGAAA[C>T]AAAGATGGGTTCTGATGGGTATGAATCAGGCTCTTGCCAAACCCAAGTTTCTTTAGTTTT-3'
Protein context (NP_000320.1, residues 463-483): PDSYPSEPIF[Val473Ile]SHPDALEEDD

ClinVar aggregate classification (germline): Uncertain significance. Review status: criteria provided, multiple submitters, no conflicts (2 of 4 stars). 2 submissions from 2 submitters: Uncertain significance (2). Last evaluated 2026-05-20.

Conditions:
Inborn genetic diseases. Identifiers: MedGen C0950123, MeSH D030342.

gnomAD v4.1: 2 of 1,613,760 alleles (0.00012%); highest among the groups gnomAD compares: Non-Finnish European, 0.00017%; no homozygotes.

Submissions (2):

Women's Health and Genetics/Laboratory Corporation of America, LabCorp
Classification: Uncertain significance. Last evaluated: 2026-05-20. Review status: criteria provided, single submitter. Criteria: LabCorp Variant Classification Summary - May 2015. Collection method: clinical testing. Allele origin: germline.
Comment: Variant summary: RPE65 c.1417G>A (p.Val473Ile) results in a conservative amino acid change in the encoded protein sequence. Algorithms developed to predict the effect of missense changes on protein structure and function are either unavailable or do not agree on the potential impact of this missense change. The variant allele was found at a frequency of 4e-06 in 250810 control chromosomes. The available data on variant occurrences in the general population are insufficient to allow any conclusion about variant significance. To our knowledge, no occurrence of c.1417G>A in individuals affected with RPE65-related conditions and no experimental evidence demonstrating its impact on protein function have been reported. ClinVar contains an entry for this variant (Variation ID: 4629417). Based on the evidence outlined above, the variant was classified as uncertain significance.

Ambry Genetics
Classification: Uncertain significance for Inborn genetic diseases. Last evaluated: 2025-10-23. Review status: criteria provided, single submitter. Criteria: Ambry Variant Classification Scheme 2023. Collection method: clinical testing. Allele origin: germline.